The following is an entry in ClinVar:

NM_019616.4(F7):c.64+4C>T

Gene: F7 (coagulation factor VII; plus strand). Cytogenetic location: 13q34.
Variant type: single nucleotide variant.
Coding change: c.64+4C>T on transcript NM_019616.4 (MANE Select); 4 bases into the intron after coding-DNA position 64, C replaced by T.
Molecular consequence: intron variant.
Genome position (GRCh38, 1-based): chr13:113,105,909, C>T. VCF-style: chr13-113105909-C-T. GRCh37 (hg19) VCF-style: chr13-113760223-C-T.
Other names: p.?; c.64+4C>T (NM_000131.5, NM_001267554.2).
Identifiers: ClinVar variation 517720 (VCV000517720.8), dbSNP rs187128791, ClinGen allele CA7059812.
Genomic context (GRCh38, chr13:113,105,909, plus strand): 5'-CCCAGGCCCTCAGGCTCCTCTGCCTTCTGCTTGGGCTTCAGGGCTGCCTGGCTGCAGGTG[C>T]GTCCGGGGAGGTTTTCTCCATAAACTTGGTGGAAGGGCAGTGGGCAAATCCAGGAGCCAG-3'

ClinVar aggregate classification (germline): Likely benign. Review status: criteria provided, multiple submitters, no conflicts (2 of 4 stars). 5 submissions from 5 submitters: Likely benign (4). 1 of the submissions does not count toward it. Last evaluated 2022-11-02.

Conditions:
Congenital factor VII deficiency. Identifiers: Orphanet 327, MedGen C0272320, MONDO:0009211, OMIM 227500.
Myocardial infarction, susceptibility to. Identifiers: MedGen C1832662, MONDO:0012039, OMIM 608446.
Factor VII deficiency. Also called: F7 DEFICIENCY; HYPOPROCONVERTINEMIA; Factor 7 deficiency. Identifiers: MedGen C0015503, MeSH D005168, MONDO:0002244.

Allele frequency attached by ClinVar (database versions not stated): gnomAD exomes 0.00029; ExAC 0.00075; ESP Exome Variant Server 0.00116; gnomAD 0.00178; TOPMed 0.00179; 1000 Genomes Project 30x 0.00250; 1000 Genomes Project 0.00280.

Submissions (5):

Mayo Clinic Laboratories, Mayo Clinic
Classification: Likely benign. Last evaluated: 2022-11-02. Review status: criteria provided, single submitter. Criteria: ACMG Guidelines, 2015. Collection method: clinical testing. Allele origin: germline. Observed: 9 variant alleles.
Comment: BP4, BP7

Fulgent Genetics
Classification: Likely benign for Congenital factor VII deficiency; Myocardial infarction, susceptibility to. Last evaluated: 2021-11-22. Review status: criteria provided, single submitter. Criteria: ACMG Guidelines, 2015. Collection method: clinical testing. Allele origin: unknown.

Illumina Laboratory Services, Illumina
Classification: Likely benign for Congenital factor VII deficiency. Last evaluated: 2018-01-13. Review status: criteria provided, single submitter. Criteria: ICSL Variant Classification Criteria 13 December 2019. Collection method: clinical testing. Allele origin: germline.
Comment: This variant was observed in the ICSL laboratory as part of a predisposition screen in an ostensibly healthy population. It had not been previously curated by ICSL or reported in the Human Gene Mutation Database (HGMD: prior to June 1st, 2018), and was therefore a candidate for classification through an automated scoring system. Utilizing variant allele frequency, disease prevalence and penetrance estimates, and inheritance mode, an automated score was calculated to assess if this variant is too frequent to cause the disease. Based on the score and internal cut-off values, a variant classified as likely benign is not then subjected to further curation. The score for this variant resulted in a classification of likely benign for this disease.

GeneDx
Classification: Likely benign. Last evaluated: 2017-02-27. Review status: criteria provided, single submitter. Criteria: GeneDx Variant Classification (06012015). Collection method: clinical testing. Allele origin: germline. Affected: yes.
Comment: This variant is considered likely benign or benign based on one or more of the following criteria: it is a conservative change, it occurs at a poorly conserved position in the protein, it is predicted to be benign by multiple in silico algorithms, and/or has population frequency not consistent with disease.

ISTH-SSC Genomics in Thrombosis and Hemostasis, KU Leuven, Center for Molecular and Vascular Biology
Classification: Uncertain significance for Congenital factor VII deficiency. Review status: no assertion criteria provided. Collection method: research. Allele origin: unknown. Affected: yes. Not counted in ClinVar's aggregate classification.
Comment: Submitted to GoldVariant by Dr Karyn Mégy from NIHR Bioresource - Cambridge University, UK